The following is an entry in ClinVar:

NM_002335.4(LRP5):c.493A>G (p.Met165Val)

Gene: LRP5 (LDL receptor related protein 5; plus strand). Cytogenetic location: 11q13.2.
Variant type: single nucleotide variant.
Coding change: c.493A>G on transcript NM_002335.4 (MANE Select); coding-DNA position 493, A replaced by G.
Protein change: p.Met165Val; replaces methionine 165 with valine.
Molecular consequence: missense variant. On other transcripts: 5 prime UTR variant (1).
Genome position (GRCh38, 1-based): chr11:68,357,654, A>G. VCF-style: chr11-68357654-A-G. GRCh37 (hg19) VCF-style: chr11-68125122-A-G.
Other names: c.-1273A>G (NM_001291902.2); c.493A>G (NM_002335.2); short protein forms M165V.
Identifiers: ClinVar variation 842449 (VCV000842449.12), dbSNP rs761767474, ClinGen allele CA224276595.

ClinVar aggregate classification (germline): Uncertain significance. Review status: criteria provided, multiple submitters, no conflicts (2 of 4 stars). 2 submissions from 2 submitters: Uncertain significance (2). Last evaluated 2024-10-29.

Conditions:
Inborn genetic diseases. Identifiers: MedGen C0950123, MeSH D030342.

Allele frequency attached by ClinVar (database versions not stated): TOPMed below 0.00001; gnomAD 0.00001.

Submissions (2):

Labcorp Genetics (formerly Invitae), Labcorp
Classification: Uncertain significance. Last evaluated: 2024-10-29. Review status: criteria provided, single submitter. Criteria: Invitae Variant Classification Sherloc (09022015). Collection method: clinical testing. Allele origin: germline.
Comment: This sequence change replaces methionine, which is neutral and non-polar, with valine, which is neutral and non-polar, at codon 165 of the LRP5 protein (p.Met165Val). This variant is present in population databases (rs761767474, gnomAD 0.003%). This variant has not been reported in the literature in individuals affected with LRP5-related conditions. ClinVar contains an entry for this variant (Variation ID: 842449). Invitae Evidence Modeling of protein sequence and biophysical properties (such as structural, functional, and spatial information, amino acid conservation, physicochemical variation, residue mobility, and thermodynamic stability) has been performed for this missense variant. However, the output from this modeling did not meet the statistical confidence thresholds required to predict the impact of this variant on LRP5 protein function. In summary, the available evidence is currently insufficient to determine the role of this variant in disease. Therefore, it has been classified as a Variant of Uncertain Significance.

Ambry Genetics
Classification: Uncertain significance for Inborn genetic diseases. Last evaluated: 2024-10-06. Review status: criteria provided, single submitter. Criteria: Ambry Variant Classification Scheme 2023. Collection method: clinical testing. Allele origin: germline.